The following is an entry in ClinVar:

NM_000020.3(ACVRL1):c.935A>C (p.His312Pro)

Gene: ACVRL1 (activin A receptor like type 1; plus strand). Cytogenetic location: 12q13.13.
Variant type: single nucleotide variant.
Coding change: c.935A>C on transcript NM_000020.3 (MANE Select); coding-DNA position 935, A replaced by C.
Protein change: p.His312Pro; replaces histidine 312 with proline.
Molecular consequence: missense variant.
Genome position (GRCh38, 1-based): chr12:51,915,387, A>C. VCF-style: chr12-51915387-A-C. GRCh37 (hg19) VCF-style: chr12-52309171-A-C.
Other names: c.935A>C, p.His312Pro (NM_001077401.2, NM_001406487.1, NM_001406488.1 and 1 more transcripts); c.623A>C, p.His208Pro (NM_001406490.1, NM_001406491.1, NM_001406492.1 and 2 more transcripts); c.371A>C, p.His124Pro (NM_001406495.1); short protein forms H124P, H208P, H312P.
Identifiers: ClinVar variation 2754837 (VCV002754837.3), dbSNP rs1592224220, ClinGen allele CA384901133.

ClinVar aggregate classification (germline): Likely pathogenic (1 of 4 stars; one submission).

Conditions:
Telangiectasia, hereditary hemorrhagic, type 2 (HHT2). Also called: ACVRL1-Related Hereditary Hemorrhagic Telangiectasia; Telangiectasia, hereditary hemorrhagic, type II. Identifiers: Orphanet 774, MedGen C1838163, MONDO:0010880, OMIM 600376. Disease mechanism: loss of function.

Submission:

Labcorp Genetics (formerly Invitae), Labcorp
Classification: Likely pathogenic for Telangiectasia, hereditary hemorrhagic, type 2. Last evaluated: 2023-08-24. Review status: criteria provided, single submitter. Criteria: Invitae Variant Classification Sherloc (09022015). Collection method: clinical testing. Allele origin: germline.
Comment: In summary, the currently available evidence indicates that the variant is pathogenic, but additional data are needed to prove that conclusively. Therefore, this variant has been classified as Likely Pathogenic. This variant disrupts the p.His312 amino acid residue in ACVRL1. Other variant(s) that disrupt this residue have been observed in individuals with ACVRL1-related conditions (PMID: 18159113; Invitae), which suggests that this may be a clinically significant amino acid residue. Advanced modeling of protein sequence and biophysical properties (such as structural, functional, and spatial information, amino acid conservation, physicochemical variation, residue mobility, and thermodynamic stability) performed at Invitae indicates that this missense variant is expected to disrupt ACVRL1 protein function. This missense change has been observed in individual(s) with hereditary hemorrhagic telangiectasia (Invitae). This variant is not present in population databases (gnomAD no frequency). This sequence change replaces histidine, which is basic and polar, with proline, which is neutral and non-polar, at codon 312 of the ACVRL1 protein (p.His312Pro).

Literature cited by the submitters: PubMed 18159113.